The following is an entry in ClinVar:

NM_006922.4(SCN3A):c.5987G>C (p.Arg1996Thr)

Gene: SCN3A (sodium voltage-gated channel alpha subunit 3; minus strand). Cytogenetic location: 2q24.3.
Variant type: single nucleotide variant.
Coding change: c.5987G>C on transcript NM_006922.4 (MANE Select); coding-DNA position 5987, G replaced by C.
Protein change: p.Arg1996Thr; replaces arginine 1996 with threonine.
Molecular consequence: missense variant.
Genome position (GRCh38, 1-based): chr2:165,090,166, C>G on the plus strand (G>C on the coding strand, the complement: SCN3A is on the minus strand). VCF-style: chr2-165090166-C-G. GRCh37 (hg19) VCF-style: chr2-165946676-C-G.
Other names: c.5840G>C, p.Arg1947Thr (NM_001081676.2, NM_001081677.2); short protein forms R1947T, R1996T.
Identifiers: ClinVar variation 1429785 (VCV001429785.6), dbSNP rs1283747930, ClinGen allele CA349008795.
Genomic context (GRCh38, chr2:165,090,166, plus strand): 5'-TAGGCTGTAAACAATTGATCACAAAGATAATTCTTTGTTTCTTTTTACTTTTGATTTTCT[C>G]TGACCTCTTTTCCTTTGCTTTCTTTTTCTGGTTTGTCTTTCTCAAACTTTTCCTTGTCTG-3'
Protein context (NP_008853.3, residues 1986-2000): PEKESKGKEV[Arg1996Thr]ENQK

ClinVar aggregate classification (germline): Uncertain significance (1 of 4 stars; one submission).

Allele frequency attached by ClinVar (database versions not stated): gnomAD exomes below 0.00001 and 0.00001.
gnomAD v4.1: 3 of 1,585,542 alleles (0.00019%); highest among the groups gnomAD compares: East Asian, 0.0067%; no homozygotes.

Submission:

Labcorp Genetics (formerly Invitae), Labcorp
Classification: Uncertain significance. Last evaluated: 2022-08-10. Review status: criteria provided, single submitter. Criteria: Invitae Variant Classification Sherloc (09022015). Collection method: clinical testing. Allele origin: germline.
Comment: This sequence change replaces arginine, which is basic and polar, with threonine, which is neutral and polar, at codon 1996 of the SCN3A protein (p.Arg1996Thr). The frequency data for this variant in the population databases is considered unreliable, as metrics indicate poor data quality at this position in the gnomAD database. In summary, the available evidence is currently insufficient to determine the role of this variant in disease. Therefore, it has been classified as a Variant of Uncertain Significance. Algorithms developed to predict the effect of missense changes on protein structure and function are either unavailable or do not agree on the potential impact of this missense change (SIFT: "Deleterious"; PolyPhen-2: "Benign"; Align-GVGD: "Class C0"). ClinVar contains an entry for this variant (Variation ID: 1429785). This variant has not been reported in the literature in individuals affected with SCN3A-related conditions.